The following is an entry in ClinVar:

NM_014795.4(ZEB2):c.916+1G>T

Gene: ZEB2 (zinc finger E-box binding homeobox 2; minus strand). Cytogenetic location: 2q22.3.
Variant type: single nucleotide variant.
Coding change: c.916+1G>T on transcript NM_014795.4 (MANE Select); the canonical splice donor site of the intron after coding-DNA position 916, G replaced by T.
Molecular consequence: splice donor variant.
Genome position (GRCh38, 1-based): chr2:144,401,198, C>A on the plus strand (G>T on the coding strand, the complement: ZEB2 is on the minus strand). VCF-style: chr2-144401198-C-A. GRCh37 (hg19) VCF-style: chr2-145158765-C-A.
Other names: c.844+1G>T (NM_001171653.2).
Identifiers: ClinVar variation 1067668 (VCV001067668.7), dbSNP rs2149877941, ClinGen allele CA348713442.
Genomic context (GRCh38, chr2:144,401,198, plus strand): 5'-TTTTAAAACTCCCCTAATTAAGTAAAATGCAAATGCGAGCTCCAGCACCTCTGCTACTCA[C>A]CACTGTGAATTCGCAGGTGTTCTTTCAGATGGTGTTTATATTTGAAGGCCTTGCCACACT-3'

ClinVar aggregate classification (germline): Likely pathogenic (1 of 4 stars; one submission).

Conditions:
Mowat-Wilson syndrome (MOWS). Also called: Classic Mowat-Wilson Syndrome. Identifiers: Orphanet 2152, MedGen C1856113, MONDO:0009341, OMIM 235730.

Submission:

Labcorp Genetics (formerly Invitae), Labcorp
Classification: Likely pathogenic for Mowat-Wilson syndrome. Last evaluated: 2020-03-14. Review status: criteria provided, single submitter. Criteria: Invitae Variant Classification Sherloc (09022015). Collection method: clinical testing. Allele origin: germline.
Comment: Algorithms developed to predict the effect of sequence changes on RNA splicing suggest that this variant may disrupt the consensus splice site, but this prediction has not been confirmed by published transcriptional studies. Donor and acceptor splice site variants typically lead to a loss of protein function (PMID: 16199547), and loss-of-function variants in ZEB2 are known to be pathogenic (PMID: 16053902). In summary, the currently available evidence indicates that the variant is pathogenic, but additional data are needed to prove that conclusively. Therefore, this variant has been classified as Likely Pathogenic. This sequence change affects a donor splice site in intron 7 of the ZEB2 gene. It is expected to disrupt RNA splicing and likely results in an absent or disrupted protein product. This variant is not present in population databases (ExAC no frequency). This variant has not been reported in the literature in individuals with ZEB2-related conditions.

Literature cited by the submitters: PubMed 16199547; PubMed 16053902.